The following is an entry in ClinVar:

ClinVar aggregate classification (germline): Uncertain significance (1 of 4 stars; one submission).

Submission:

Labcorp Genetics (formerly Invitae), Labcorp
Classification: Uncertain significance. Last evaluated: 2023-12-11. Review status: criteria provided, single submitter. Criteria: Invitae Variant Classification Sherloc (09022015). Collection method: clinical testing. Allele origin: germline.
Comment: This sequence change replaces histidine, which is basic and polar, with tyrosine, which is neutral and polar, at codon 664 of the ARID1B protein (p.His664Tyr). This variant is not present in population databases (gnomAD no frequency). This variant has not been reported in the literature in individuals affected with ARID1B-related conditions. Advanced modeling of protein sequence and biophysical properties (such as structural, functional, and spatial information, amino acid conservation, physicochemical variation, residue mobility, and thermodynamic stability) performed at Invitae indicates that this missense variant is not expected to disrupt ARID1B protein function with a negative predictive value of 95%. In summary, the available evidence is currently insufficient to determine the role of this variant in disease. Therefore, it has been classified as a Variant of Uncertain Significance.

NM_001374828.1(ARID1B):c.2200C>T (p.His734Tyr)

Gene: ARID1B (AT-rich interaction domain 1B; plus strand). Cytogenetic location: 6q25.3.
Variant type: single nucleotide variant.
Coding change: c.2200C>T on transcript NM_001374828.1 (MANE Select); coding-DNA position 2200, C replaced by T.
Protein change: p.His734Tyr; replaces histidine 734 with tyrosine.
Molecular consequence: missense variant.
Genome position (GRCh38, 1-based): chr6:156,935,529, C>T. VCF-style: chr6-156935529-C-T. GRCh37 (hg19) VCF-style: chr6-157256663-C-T.
Other names: c.1951C>T, p.His651Tyr (NM_001346813.1); c.2239C>T, p.His747Tyr (NM_001371656.1, NM_001374820.1); c.2200C>T, p.His734Tyr (NM_017519.3); c.1990C>T, p.His664Tyr (NM_020732.3); c.1777C>T, p.His593Tyr (NM_175863.2); short protein forms H747Y, H593Y, H651Y, H664Y, H734Y.
Identifiers: ClinVar variation 2767363 (VCV002767363.3), dbSNP rs2128274955, ClinGen allele CA366380464.